The following is an entry in ClinVar:

NM_133510.4(RAD51B):c.485G>T (p.Arg162Ile)

Gene: RAD51B (RAD51 paralog B; plus strand). Cytogenetic location: 14q24.1.
Variant type: single nucleotide variant.
Coding change: c.485G>T on transcript NM_133510.4 (MANE Select); coding-DNA position 485, G replaced by T.
Protein change: p.Arg162Ile; replaces arginine 162 with isoleucine.
Molecular consequence: missense variant.
Genome position (GRCh38, 1-based): chr14:67,885,901, G>T. VCF-style: chr14-67885901-G-T. GRCh37 (hg19) VCF-style: chr14-68352618-G-T.
Other names: c.485G>T, p.Arg162Ile (NM_001321809.2, NM_001321810.2, NM_001321812.1 and 6 more transcripts); c.371G>T, p.Arg124Ile (NM_001321815.1); c.128G>T, p.Arg43Ile (NM_001321817.2); short protein forms R43I, R124I, R162I.
Identifiers: ClinVar variation 3786407 (VCV003786407.1).

ClinVar aggregate classification (germline): Uncertain significance (1 of 4 stars; one submission).

gnomAD v4.1: 2 of 1,609,382 alleles (0.00012%); highest among the groups gnomAD compares: Non-Finnish European, 0.00017%; no homozygotes.

Submission:

Ambry Genetics
Classification: Uncertain significance. Last evaluated: 2025-01-05. Review status: criteria provided, single submitter. Criteria: Ambry Variant Classification Scheme 2023. Collection method: clinical testing. Allele origin: germline.
Comment: The p.R162I variant (also known as c.485G>T), located in coding exon 5 of the RAD51B gene, results from a G to T substitution at nucleotide position 485. The arginine at codon 162 is replaced by isoleucine, an amino acid with similar properties. This amino acid position is conserved. In addition, this alteration is predicted to be tolerated by in silico analysis. Based on the available evidence, the clinical significance of this variant remains unclear.